The following is an entry in ClinVar:

ClinVar aggregate classification (germline): Benign/Likely benign. Review status: criteria provided, multiple submitters, no conflicts (2 of 4 stars). 4 submissions from 4 submitters: Benign (1); Likely benign (2). 1 of the submissions does not count toward it. Last evaluated 2022-04-22.

Conditions:
DDX41-related disorder. Also called: DDX41-related condition.

Allele frequency attached by ClinVar (database versions not stated): gnomAD exomes 0.00072 and 0.00191; ExAC 0.00248; gnomAD 0.00825 and 0.00886; ESP Exome Variant Server 0.00915; TOPMed 0.00925; 1000 Genomes Project 0.00938; 1000 Genomes Project 30x 0.01062.
gnomAD v4.1: 2,349 of 1,613,966 alleles (0.15%); highest among the groups gnomAD compares: African/African-American, 2.8%; 44 homozygotes.

Submissions (4):

GeneDx
Classification: Likely benign. Last evaluated: 2022-04-22. Review status: criteria provided, single submitter. Criteria: GeneDx Variant Classification Process June 2021. Collection method: clinical testing. Allele origin: germline. Affected: yes.
Comment: See Variant Classification Assertion Criteria.

Genetic Services Laboratory, University of Chicago
Classification: Benign. Last evaluated: 2020-10-07. Review status: criteria provided, single submitter. Criteria: ACMG Guidelines, 2015. Collection method: clinical testing. Allele origin: germline. Affected: no.

Breakthrough Genomics
Classification: Likely benign. Review status: criteria provided, single submitter. Criteria: ACMG Guidelines, 2015. Collection method: not provided. Allele origin: germline. Inheritance: Autosomal dominant inheritance. Affected: yes.

PreventionGenetics, part of Exact Sciences
Classification: Benign for DDX41-related condition. Last evaluated: 2019-06-19. Review status: no assertion criteria provided. Collection method: clinical testing. Allele origin: germline. Not counted in ClinVar's aggregate classification.
Comment: This variant is classified as benign based on ACMG/AMP sequence variant interpretation guidelines (Richards et al. 2015 PMID: 25741868, with internal and published modifications).

NM_016222.4(DDX41):c.*3C>T

Gene: DDX41 (DEAD-box helicase 41; minus strand). Cytogenetic location: 5q35.3.
Variant type: single nucleotide variant.
Coding change: c.*3C>T on transcript NM_016222.4 (MANE Select); 3 bases downstream of the stop codon, C replaced by T.
Molecular consequence: 3 prime UTR variant.
Genome position (GRCh38, 1-based): chr5:177,511,788, G>A on the plus strand (C>T on the coding strand, the complement: DDX41 is on the minus strand). VCF-style: chr5-177511788-G-A. GRCh37 (hg19) VCF-style: chr5-176938789-G-A.
Other names: c.*3C>T (NM_001321732.2, NM_001321830.2).
Identifiers: ClinVar variation 1196326 (VCV001196326.11), dbSNP rs73804364, ClinGen allele CA3584600.
Genomic context (GRCh38, chr5:177,511,788, plus strand): 5'-ATGTGTAGACTGGTGGCAGTCTTGGGGACTGAGGCCTCTTGGAGAGAAGGGAAGACTGTC[G>A]GCTCAGAAGTCCATGGAGCTGTGGGCCAGGTAGTCCTTGCGACCGATGTTGCTGACCTGC-3'